The following is an entry in ClinVar:

NM_001367949.2(FAT3):c.2259C>T (p.Ala753=)

Gene: FAT3 (FAT atypical cadherin 3; plus strand). Cytogenetic location: 11q14.3.
Variant type: single nucleotide variant.
Coding change: c.2259C>T on transcript NM_001367949.2 (MANE Select); coding-DNA position 2259, C replaced by T.
Protein change: p.Ala753=; no amino-acid change (alanine 753 retained).
Molecular consequence: synonymous variant.
Genome position (GRCh38, 1-based): chr11:92,354,371, C>T. VCF-style: chr11-92354371-C-T. GRCh37 (hg19) VCF-style: chr11-92087537-C-T.
Other names: c.2259C>T, p.Ala753= (NM_001008781.3, NM_001378141.1).
Identifiers: ClinVar variation 3035341 (VCV003035341.2), dbSNP rs114589936, ClinGen allele CA6226446.

ClinVar aggregate classification (germline): Likely benign (0 of 4 stars; one submission).

Conditions:
FAT3-related disorder. Also called: FAT3-related condition.

Allele frequency attached by ClinVar (database versions not stated): gnomAD exomes 0.00017; ExAC 0.00052; gnomAD 0.00177; TOPMed 0.00184; ESP Exome Variant Server 0.00207; 1000 Genomes Project 0.00260; 1000 Genomes Project 30x 0.00265.
gnomAD v4.1: 519 of 1,613,820 alleles (0.032%); highest among the groups gnomAD compares: African/African-American, 0.59%; 5 homozygotes.

Submission:

PreventionGenetics, part of Exact Sciences
Classification: Likely benign for FAT3-related condition. Last evaluated: 2019-07-31. Review status: no assertion criteria provided. Collection method: clinical testing. Allele origin: germline.
Comment: This variant is classified as likely benign based on ACMG/AMP sequence variant interpretation guidelines (Richards et al. 2015 PMID: 25741868, with internal and published modifications).